The following is an entry in ClinVar:

NM_000553.6(WRN):c.1277C>T (p.Ser426Phe)

Gene: WRN (WRN RecQ like helicase; plus strand). Cytogenetic location: 8p12.
Variant type: single nucleotide variant.
Coding change: c.1277C>T on transcript NM_000553.6 (MANE Select); coding-DNA position 1277, C replaced by T.
Protein change: p.Ser426Phe; replaces serine 426 with phenylalanine.
Molecular consequence: missense variant.
Genome position (GRCh38, 1-based): chr8:31,083,706, C>T. VCF-style: chr8-31083706-C-T. GRCh37 (hg19) VCF-style: chr8-30941222-C-T.
Other names: short protein forms S426F.
Identifiers: ClinVar variation 1020130 (VCV001020130.3), dbSNP rs1389670955, ClinGen allele CA370922438.
Genomic context (GRCh38, chr8:31,083,706, plus strand): 5'-GAGGATATGAAGTCAATTATATTGGAAATTAATGCTTAATACTTTTTTTAAAGCATTTAT[C>T]TCCCAATGATAATGAAAACGATACGTCCTATGTAATTGAGAGTGATGAAGATTTAGAAAT-3'
Protein context (NP_000544.2, residues 416-436): DIAYKSTEHL[Ser426Phe]PNDNENDTSY

ClinVar aggregate classification (germline): Uncertain significance (1 of 4 stars; one submission).

Conditions:
Werner syndrome (WRN). Identifiers: Orphanet 902, MedGen C0043119, MONDO:0010196, OMIM 277700.

Allele frequency attached by ClinVar (database versions not stated): TOPMed below 0.00001.

Submission:

Labcorp Genetics (formerly Invitae), Labcorp
Classification: Uncertain significance for Werner syndrome. Last evaluated: 2023-11-10. Review status: criteria provided, single submitter. Criteria: Invitae Variant Classification Sherloc (09022015). Collection method: clinical testing. Allele origin: germline.
Comment: This sequence change replaces serine, which is neutral and polar, with phenylalanine, which is neutral and non-polar, at codon 426 of the WRN protein (p.Ser426Phe). This variant is not present in population databases (gnomAD no frequency). This variant has not been reported in the literature in individuals affected with WRN-related conditions. ClinVar contains an entry for this variant (Variation ID: 1020130). An algorithm developed to predict the effect of missense changes on protein structure and function (PolyPhen-2) suggests that this variant is likely to be tolerated. In summary, the available evidence is currently insufficient to determine the role of this variant in disease. Therefore, it has been classified as a Variant of Uncertain Significance.